The following is an entry in ClinVar:

ClinVar aggregate classification (germline): Uncertain significance (0 of 4 stars; one submission).

Conditions:
SEMA3F-related disorder. Also called: SEMA3F-related condition.

Allele frequency attached by ClinVar (database versions not stated): ExAC 0.00001; gnomAD 0.00001; 1000 Genomes Project 30x 0.00016; 1000 Genomes Project 0.00020.

Submission:

PreventionGenetics, part of Exact Sciences
Classification: Uncertain significance for SEMA3F-related condition. Last evaluated: 2024-01-03. Review status: no assertion criteria provided. Collection method: clinical testing. Allele origin: germline.
Comment: The SEMA3F c.423G>C variant is predicted to result in the amino acid substitution p.Met141Ile. To our knowledge, this variant has not been reported in the literature. This variant is reported in 0.011% of alleles in individuals of East Asian descent in gnomAD. At this time, the clinical significance of this variant is uncertain due to the absence of conclusive functional and genetic evidence.

NM_004186.5(SEMA3F):c.423G>C (p.Met141Ile)

Gene: SEMA3F (semaphorin 3F; plus strand). Cytogenetic location: 3p21.31.
Variant type: single nucleotide variant.
Coding change: c.423G>C on transcript NM_004186.5 (MANE Select); coding-DNA position 423, G replaced by C.
Protein change: p.Met141Ile; replaces methionine 141 with isoleucine.
Molecular consequence: missense variant.
Genome position (GRCh38, 1-based): chr3:50,174,317, G>C. VCF-style: chr3-50174317-G-C. GRCh37 (hg19) VCF-style: chr3-50211750-G-C.
Other names: c.219G>C, p.Met73Ile (NM_001318798.2); c.423G>C, p.Met141Ile (NM_001318800.2); short protein forms M141I, M73I.
Identifiers: ClinVar variation 3047027 (VCV003047027.2), dbSNP rs565188840, ClinGen allele CA2411750.
Genomic context (GRCh38, chr3:50,174,317, plus strand): 5'-CATCCAGCCCTGGAACCGAACACACCTGTATGTGTGCGGGACAGGTGCCTACAACCCCAT[G>C]TGCACCTATGTGAACCGCGGACGCCGCGCCCAGGTAAGCCCCAGCCACCCTGGCCCTGTG-3'
Protein context (NP_004177.3, residues 131-151): YVCGTGAYNP[Met141Ile]CTYVNRGRRA